The following is an entry in ClinVar:

NM_001015877.2(PHF6):c.48A>G (p.Lys16=)

Gene: PHF6 (PHD finger protein 6; plus strand). Cytogenetic location: Xq26.2.
Variant type: single nucleotide variant.
Coding change: c.48A>G on transcript NM_001015877.2 (MANE Select); coding-DNA position 48, A replaced by G.
Protein change: p.Lys16=; no amino-acid change (lysine 16 retained).
Molecular consequence: synonymous variant.
Genome position (GRCh38, 1-based): chrX:134,377,665, A>G. VCF-style: chrX-134377665-A-G. GRCh37 (hg19) VCF-style: chrX-133511695-A-G.
Other names: c.48A>G, p.Lys16= (NM_032335.3, NM_032458.3).
Identifiers: ClinVar variation 3030457 (VCV003030457.2), dbSNP rs2077284056, ClinGen allele CA518648217.

ClinVar aggregate classification (germline): Likely benign (0 of 4 stars; one submission).

Conditions:
PHF6-related disorder. Also called: PHF6-related condition.

Allele frequency attached by ClinVar (database versions not stated): gnomAD exomes below 0.00001; gnomAD 0.00001; TOPMed 0.00002.
gnomAD v4.1: 2 of 1,208,809 alleles (0.00017%); highest among the groups gnomAD compares: Admixed American, 0.0044%; no homozygotes.

Submission:

PreventionGenetics, part of Exact Sciences
Classification: Likely benign for PHF6-related condition. Last evaluated: 2022-09-21. Review status: no assertion criteria provided. Collection method: clinical testing. Allele origin: germline.
Comment: This variant is classified as likely benign based on ACMG/AMP sequence variant interpretation guidelines (Richards et al. 2015 PMID: 25741868, with internal and published modifications).